The following is an entry in ClinVar:

NM_024773.3(KDM8):c.1086+14_1086+21del

Gene: KDM8 (lysine demethylase 8; plus strand). Cytogenetic location: 16p12.1.
Variant type: Deletion.
Coding change: c.1086+14_1086+21del on transcript NM_024773.3 (MANE Select); bases 14 to 21 of the intron after coding-DNA position 1086, 8 bases deleted (GTCTGGGG; older notation c.1086+14_1086+21delGTCTGGGG).
Molecular consequence: intron variant.
Genome position (GRCh38, 1-based): chr16:27,220,499-27,220,506, GTCTGGGG deleted; deleting any 8 consecutive bases within chr16:27,220,493-27,220,506 gives the same sequence; the c. name uses the placement nearest the transcript's 3' end. VCF-style (leftmost placement, unchanged base first): chr16-27220492-ACTGGGGGT-A. GRCh37 (hg19) VCF-style: chr16-27231813-ACTGGGGGT-A.
Other names: c.1200+14_1200+21del (NM_001145348.2).
Identifiers: ClinVar variation 986393 (VCV000986393.1), dbSNP rs773887912, ClinGen allele CA7973681.
Genomic context (GRCh38, chr16:27,220,492, plus strand): 5'-GAGTCAGGGGCTCTGTACCCTCATGACACGCACCTTCTCCATAACACGAGCCAGGTGGGC[ACTGGGGGT>A]CTGGGGTGACGTTGCAGGTTCTCCCCACTGCCCCTGGAGATGATGACGTCCTTTGCTTTC-3'

ClinVar aggregate classification (germline): Uncertain significance (1 of 4 stars; one submission).

Conditions:
Coffin-Siris syndrome. Identifiers: Orphanet 1465, MedGen C0265338, MONDO:0015452.

Submission:

Broad Center for Mendelian Genomics, Broad Institute of MIT and Harvard
Classification: Uncertain significance for Coffin-Siris syndrome. Last evaluated: 2020-11-16. Review status: criteria provided, single submitter. Criteria: ACMG Guidelines, 2015. Collection method: curation. Allele origin: germline. Inheritance: Autosomal recessive inheritance.
Comment: The heterozygous c.1200+14_1200+21delGTCTGGGG variant in KDM8 was identified by our study in the compound heterozygous state, along with another variant of uncertain significance, in 2 siblings with Coffin-Siris like phenotype and Silver-Russell syndrome like phenotype (short stature, normal head circumference, peculiar face). The variant has not been previously reported in individuals with short stature, normal head circumference and peculiar face, and has been identified in 0.008% (2/24968) of African chromosomes by the Genome Aggregation Database (gnomAD; dbSNP rs773887912). Computational prediction tools, including splice predictors, and conservation analyses suggest that this variant may not impact the protein, though this information is not predictive enough to rule out pathogenicity. Furthermore, although this gene has been reported in association with Coffin-Siris like phenotype and Silver-Russell syndrome like phenotype (short stature, normal head circumference, peculiar face), it currently has limited evidence for these associations. In summary, the clinical significance of the variant is uncertain. ACMG/AMP Criteria applied: PM2, BP7, BP4 (Richards 2015).